The following is an entry in ClinVar:

NM_004589.4(SCO1):c.274-156A>G

Gene: SCO1 (synthesis of cytochrome C oxidase 1; minus strand). Cytogenetic location: 17p13.1.
Variant type: single nucleotide variant.
Coding change: c.274-156A>G on transcript NM_004589.4 (MANE Select); 156 bases into the intron before coding-DNA position 274, A replaced by G.
Molecular consequence: intron variant.
Genome position (GRCh38, 1-based): chr17:10,695,987, T>C on the plus strand (A>G on the coding strand, the complement: SCO1 is on the minus strand). VCF-style: chr17-10695987-T-C. GRCh37 (hg19) VCF-style: chr17-10599304-T-C.
Identifiers: ClinVar variation 683701 (VCV000683701.1), dbSNP rs4792019, ClinGen allele CA15893226.

ClinVar aggregate classification (germline): Benign (1 of 4 stars; one submission).

Allele frequency attached by ClinVar (database versions not stated): gnomAD 0.45402 and 0.45611; TOPMed 0.46075; 1000 Genomes Project 30x 0.46330; 1000 Genomes Project 0.46825.

Submission:

GeneDx
Classification: Benign. Last evaluated: 2018-06-14. Review status: criteria provided, single submitter. Criteria: GeneDx Variant Classification (06012015). Collection method: clinical testing. Allele origin: germline. Affected: yes.
Comment: This variant is considered likely benign or benign based on one or more of the following criteria: it is a conservative change, it occurs at a poorly conserved position in the protein, it is predicted to be benign by multiple in silico algorithms, and/or has population frequency not consistent with disease.